The following is an entry in ClinVar:

ClinVar aggregate classification (germline): Uncertain significance (1 of 4 stars; one submission).

Conditions:
Holoprosencephaly 5 (HPE5). Identifiers: Orphanet 2162, MedGen C1864827, MONDO:0012322, OMIM 609637.

Submission:

Labcorp Genetics (formerly Invitae), Labcorp
Classification: Uncertain significance for Holoprosencephaly 5. Last evaluated: 2022-02-08. Review status: criteria provided, single submitter. Criteria: Invitae Variant Classification Sherloc (09022015). Collection method: clinical testing. Allele origin: germline.
Comment: Algorithms developed to predict the effect of missense changes on protein structure and function output the following: SIFT: "Deleterious"; PolyPhen-2: "Not Available"; Align-GVGD: "Class C0". The glycine amino acid residue is found in multiple mammalian species, which suggests that this missense change does not adversely affect protein function. In summary, the available evidence is currently insufficient to determine the role of this variant in disease. Therefore, it has been classified as a Variant of Uncertain Significance. This variant has not been reported in the literature in individuals affected with ZIC2-related conditions. This variant is not present in population databases (gnomAD no frequency). This sequence change replaces serine, which is neutral and polar, with glycine, which is neutral and non-polar, at codon 509 of the ZIC2 protein (p.Ser509Gly).

NM_007129.5(ZIC2):c.1525A>G (p.Ser509Gly)

Gene: ZIC2 (Zic family zinc finger 2; plus strand). Cytogenetic location: 13q32.3.
Variant type: single nucleotide variant.
Coding change: c.1525A>G on transcript NM_007129.5 (MANE Select); coding-DNA position 1525, A replaced by G.
Protein change: p.Ser509Gly; replaces serine 509 with glycine.
Molecular consequence: missense variant.
Genome position (GRCh38, 1-based): chr13:99,985,608, A>G. VCF-style: chr13-99985608-A-G. GRCh37 (hg19) VCF-style: chr13-100637862-A-G.
Other names: short protein forms S509G.
Identifiers: ClinVar variation 2152816 (VCV002152816.4), dbSNP rs2053263556, ClinGen allele CA388639740.
Genomic context (GRCh38, chr13:99,985,608, plus strand): 5'-TCAGGCGGCGGCAGCGGCAGTGGCGGGGGCGGCGGCGGGGCGGGCGGCGGGGGCGGCGGC[A>G]GCTCTGGCGGGGGCAGCGGGACAGCCGGGGGTCACAGCGGCCTCTCCTCCAACTTCAATG-3'
Protein context (NP_009060.2, residues 499-519): GGGAGGGGGG[Ser509Gly]SGGGSGTAGG